The following is an entry in ClinVar:

ClinVar aggregate classification (germline): Conflicting classifications of pathogenicity. Review status: criteria provided, conflicting classifications (1 of 4 stars). 3 submissions from 3 submitters: Uncertain significance (1); Likely benign (1). 1 of the submissions does not count toward it. Last evaluated 2026-03-05.

Conditions:
Inborn genetic diseases. Identifiers: MedGen C0950123, MeSH D030342.

gnomAD v4.1: 11 of 1,612,074 alleles (0.00068%); highest among the groups gnomAD compares: Middle Eastern, 0.033%; no homozygotes.

Submissions (3):

Ambry Genetics
Classification: Likely benign for Inborn genetic diseases. Last evaluated: 2026-03-05. Review status: criteria provided, single submitter. Criteria: Ambry Variant Classification Scheme 2023. Collection method: clinical testing. Allele origin: germline.

Labcorp Genetics (formerly Invitae), Labcorp
Classification: Uncertain significance. Last evaluated: 2023-12-09. Review status: criteria provided, single submitter. Criteria: Invitae Variant Classification Sherloc (09022015). Collection method: clinical testing. Allele origin: germline.
Comment: This sequence change replaces methionine, which is neutral and non-polar, with threonine, which is neutral and polar, at codon 307 of the DDX41 protein (p.Met307Thr). This variant is not present in population databases (gnomAD no frequency). This variant has not been reported in the literature in individuals affected with DDX41-related conditions. ClinVar contains an entry for this variant (Variation ID: 2443110). An algorithm developed to predict the effect of missense changes on protein structure and function (PolyPhen-2) suggests that this variant is likely to be tolerated. In summary, the available evidence is currently insufficient to determine the role of this variant in disease. Therefore, it has been classified as a Variant of Uncertain Significance.

Genetic Services Laboratory, University of Chicago
Classification: Uncertain significance. Last evaluated: 2022-07-22. Review status: no assertion criteria provided. Collection method: clinical testing. Allele origin: germline. Affected: no. Not counted in ClinVar's aggregate classification.
Comment: DNA sequence analysis of the DDX41 gene demonstrated a sequence change, c.920T>C, in exon 9 that results in an amino acid change, p.Met307Thr. This sequence change does not appear to have been previously described in individuals with DDX41-related disorders and has also not been described in population databases such as ExAC and gnomAD. The p.Met307Thr change affects a highly conserved amino acid residue located in a domain of the DDX41 protein that is known to be functional. In-silico pathogenicity prediction tools (SIFT, PolyPhen2, Align GVGD, REVEL) provide contradictory results for the p.Met307Thr substitution. Due to insufficient evidences and the lack of functional studies, the clinical significance of the p.Met307Thr change remains unknown at this time.

NM_016222.4(DDX41):c.920T>C (p.Met307Thr)

Gene: DDX41 (DEAD-box helicase 41; minus strand). Cytogenetic location: 5q35.3.
Variant type: single nucleotide variant.
Coding change: c.920T>C on transcript NM_016222.4 (MANE Select); coding-DNA position 920, T replaced by C.
Protein change: p.Met307Thr; replaces methionine 307 with threonine.
Molecular consequence: missense variant.
Genome position (GRCh38, 1-based): chr5:177,514,716, A>G on the plus strand (T>C on the coding strand, the complement: DDX41 is on the minus strand). VCF-style: chr5-177514716-A-G. GRCh37 (hg19) VCF-style: chr5-176941717-A-G.
Other names: c.542T>C, p.Met181Thr (NM_001321732.2, NM_001321830.2); c.920T>C (NM_016222.2); short protein forms M181T, M307T.
Identifiers: ClinVar variation 2443110 (VCV002443110.6), dbSNP rs996454252, ClinGen allele CA362374669.